The following is an entry in ClinVar:

ClinVar aggregate classification (germline): Uncertain significance (1 of 4 stars; one submission).

Conditions:
Aicardi-Goutieres syndrome 6 (AGS6). Identifiers: Orphanet 51, MedGen C3539013, MONDO:0014007, OMIM 615010.
Symmetrical dyschromatosis of extremities (DSH). Also called: RETICULATE ACROPIGMENTATION OF DOHI; SYMMETRIC DYSCHROMATOSIS OF THE EXTREMITIES; Dyschromatosis symmetrica hereditaria; DYSCHROMATOSIS SYMMETRICA HEREDITARIA 1. Identifiers: Orphanet 41, MedGen C0406775, MONDO:0007483, OMIM 127400.

Allele frequency attached by ClinVar (database versions not stated): gnomAD exomes below 0.00001.
gnomAD v4.1: 1 of 1,614,100 alleles (0.000062%); highest among the groups gnomAD compares: Non-Finnish European, 0.000085%; no homozygotes.

Submission:

Labcorp Genetics (formerly Invitae), Labcorp
Classification: Uncertain significance for Aicardi-Goutieres syndrome 6; Symmetrical dyschromatosis of extremities. Last evaluated: 2023-07-17. Review status: criteria provided, single submitter. Criteria: Invitae Variant Classification Sherloc (09022015). Collection method: clinical testing. Allele origin: germline.
Comment: In summary, the available evidence is currently insufficient to determine the role of this variant in disease. Therefore, it has been classified as a Variant of Uncertain Significance. Advanced modeling of protein sequence and biophysical properties (such as structural, functional, and spatial information, amino acid conservation, physicochemical variation, residue mobility, and thermodynamic stability) performed at Invitae indicates that this missense variant is not expected to disrupt ADAR protein function. ClinVar contains an entry for this variant (Variation ID: 2122552). This variant has not been reported in the literature in individuals affected with ADAR-related conditions. This variant is not present in population databases (gnomAD no frequency). This sequence change replaces threonine, which is neutral and polar, with asparagine, which is neutral and polar, at codon 1077 of the ADAR protein (p.Thr1077Asn).

NM_001111.5(ADAR):c.3230C>A (p.Thr1077Asn)

Gene: ADAR (adenosine deaminase RNA specific; minus strand). Cytogenetic location: 1q21.3.
Variant type: single nucleotide variant.
Coding change: c.3230C>A on transcript NM_001111.5 (MANE Select); coding-DNA position 3230, C replaced by A.
Protein change: p.Thr1077Asn; replaces threonine 1077 with asparagine.
Molecular consequence: missense variant.
Genome position (GRCh38, 1-based): chr1:154,585,838, G>T on the plus strand (C>A on the coding strand, the complement: ADAR is on the minus strand). VCF-style: chr1-154585838-G-T. GRCh37 (hg19) VCF-style: chr1-154558314-G-T.
Other names: c.2345C>A, p.Thr782Asn (NM_001025107.3, NM_001193495.2, NM_001365046.1 and 2 more transcripts); c.3257C>A, p.Thr1086Asn (NM_001365045.1); c.2267C>A, p.Thr756Asn (NM_001365049.1); c.3152C>A, p.Thr1051Asn (NM_015840.4); c.3095C>A, p.Thr1032Asn (NM_015841.4); short protein forms T1032N, T1051N, T1077N, T782N, T1086N, T756N.
Identifiers: ClinVar variation 2122552 (VCV002122552.4), dbSNP rs2526457764, ClinGen allele CA342635436.
Genomic context (GRCh38, chr1:154,585,838, plus strand): 5'-TGTCGTAGTCCATCCTCAAATGCACTCCCATCTCTTGTCACACGACAGCAAATAGCACGG[G>T]TCAGATGCCCTTGGCTGAAAAGGTAACCTGAGTACAAAAAAGAGAAACATATATACCTGT-3'
Protein context (NP_001102.3, residues 1067-1087): LGYLFSQGHL[Thr1077Asn]RAICCRVTRD